The following is an entry in ClinVar:

ClinVar aggregate classification (germline): Uncertain significance (1 of 4 stars; one submission).

Conditions:
Hereditary cancer-predisposing syndrome. Also called: Neoplastic Syndromes, Hereditary; Tumor predisposition; Hereditary Cancer Syndrome; Hereditary neoplastic syndrome. Identifiers: Orphanet 140162, MedGen C0027672, MeSH D009386, MONDO:0015356.

Submission:

Color Diagnostics, LLC DBA Color Health
Classification: Uncertain significance for Hereditary cancer-predisposing syndrome. Last evaluated: 2023-12-04. Review status: criteria provided, single submitter. Criteria: ACMG Guidelines, 2015. Collection method: clinical testing. Allele origin: germline.
Comment: This missense variant replaces aspartic acid with asparagine at codon 828 of the CDH1 protein. To our knowledge, functional studies have not been reported for this variant. This variant has not been reported in individuals affected with CDH1-related disorders in the literature. This variant has not been identified in the general population by the Genome Aggregation Database (gnomAD). The available evidence is insufficient to determine the role of this variant in disease conclusively. Therefore, this variant is classified as a Variant of Uncertain Significance.

NM_004360.5(CDH1):c.2482G>A (p.Asp828Asn)

Gene: CDH1 (cadherin 1; plus strand). Cytogenetic location: 16q22.1.
Variant type: single nucleotide variant.
Coding change: c.2482G>A on transcript NM_004360.5 (MANE Select); coding-DNA position 2482, G replaced by A.
Protein change: p.Asp828Asn; replaces aspartic acid 828 with asparagine.
Molecular consequence: missense variant.
Genome position (GRCh38, 1-based): chr16:68,833,332, G>A. VCF-style: chr16-68833332-G-A. GRCh37 (hg19) VCF-style: chr16-68867235-G-A.
Other names: c.2299G>A, p.Asp767Asn (NM_001317184.2); c.934G>A, p.Asp312Asn (NM_001317185.2); c.517G>A, p.Asp173Asn (NM_001317186.2); short protein forms D173N, D767N, D828N, D312N.
Identifiers: ClinVar variation 2775046 (VCV002775046.2), dbSNP rs2152143905, ClinGen allele CA396472090.
Genomic context (GRCh38, chr16:68,833,332, plus strand): 5'-TTGTCCCTTCTTCTTTAGAATCTGAAAGCGGCTGATACTGACCCCACAGCCCCGCCTTAT[G>A]ATTCTCTGCTCGTGTTTGACTATGAAGGAAGCGGTTCCGAAGCTGCTAGTCTGAGCTCCC-3'
Protein context (NP_004351.1, residues 818-838): ADTDPTAPPY[Asp828Asn]SLLVFDYEGS